The following is an entry in ClinVar:

NM_000426.4(LAMA2):c.3651_3655del (p.Val1218fs)

Gene: LAMA2 (laminin subunit alpha 2; plus strand). Cytogenetic location: 6q22.33.
Variant type: Deletion.
Coding change: c.3651_3655del on transcript NM_000426.4 (MANE Select); coding-DNA positions 3651 to 3655, 5 bases deleted (TGTTG; older notation c.3651_3655delTGTTG).
Protein change: p.Val1218fs; shifts the reading frame from valine 1218.
Molecular consequence: frameshift variant.
Genome position (GRCh38, 1-based): chr6:129,315,571-129,315,575, TGTTG deleted. VCF-style (leftmost placement, unchanged base first): chr6-129315570-TTGTTG-T. GRCh37 (hg19) VCF-style: chr6-129636715-TTGTTG-T.
Other names: c.3651_3655del, p.Val1218fs (NM_001079823.2); short protein forms V1218fs.
Identifiers: ClinVar variation 4880761 (VCV004880761.2).

ClinVar aggregate classification (germline): Likely pathogenic (1 of 4 stars; one submission).

Submission:

Dasa
Classification: Likely pathogenic. Last evaluated: 2025-09-04. Review status: criteria provided, single submitter. Criteria: DASA Assertion Criteria. Collection method: clinical testing. Allele origin: germline.
Comment: NM_000426.4(LAMA2):c.3651_3655del (p.Val1218Profs*23) is a frameshift variant in LAMA2 predicted to alter the reading frame and introduce a premature termination codon and is predicted to result in an absent or altered protein product. Loss of function is an established disease mechanism for LAMA2-associated disorders. Also, this variant is absent from population databases. Based on the currently available evidence, this variant is classified as likely pathogenic.